The following is an entry in ClinVar:

NM_002693.3(POLG):c.1543A>C (p.Ile515Leu)

Gene: POLG (DNA polymerase gamma, catalytic subunit; minus strand). Cytogenetic location: 15q26.1.
Variant type: single nucleotide variant.
Coding change: c.1543A>C on transcript NM_002693.3 (MANE Select); coding-DNA position 1543, A replaced by C.
Protein change: p.Ile515Leu; replaces isoleucine 515 with leucine.
Molecular consequence: missense variant.
Genome position (GRCh38, 1-based): chr15:89,326,954, T>G on the plus strand (A>C on the coding strand, the complement: POLG is on the minus strand). VCF-style: chr15-89326954-T-G. GRCh37 (hg19) VCF-style: chr15-89870185-T-G.
Other names: c.1543A>C, p.Ile515Leu (NM_001126131.2); short protein forms I515L.
Identifiers: ClinVar variation 970333 (VCV000970333.10), dbSNP rs748919988, ClinGen allele CA393760785.

ClinVar aggregate classification (germline): Uncertain significance. Review status: criteria provided, multiple submitters, no conflicts (2 of 4 stars). 2 submissions from 2 submitters: Uncertain significance (2). Last evaluated 2025-08-05.

Conditions:
POLG-related disorder. Also called: POLG-Related Spectrum Disorders; POLG-related condition; POLG-Related Disorders. Identifiers: MedGen C4763519.
Progressive sclerosing poliodystrophy (MTDPS4A). Also called: Mitochondrial DNA depletion syndrome 4A (Alpers type); Mitochondrial DNA Depletion Syndrome 4A; Alpers Syndrome; ALPERS DIFFUSE DEGENERATION OF CEREBRAL GRAY MATTER WITH HEPATIC CIRRHOSIS; Alpers-Huttenlocher Syndrome; Alpers-Huttenlocher Syndrome (AHS). Identifiers: Orphanet 726, MedGen C0205710, MONDO:0008758, OMIM 203700.

Submissions (2):

PreventionGenetics, part of Exact Sciences
Classification: Uncertain significance for POLG-related condition. Last evaluated: 2025-08-05. Review status: criteria provided, single submitter. Criteria: ACMG Guidelines, 2015. Collection method: clinical testing. Allele origin: germline.
Comment: The POLG c.1543A>C variant is predicted to result in the amino acid substitution p.Ile515Leu. To our knowledge, this variant has not been reported in the literature. This variant is reported in 0.0029% of alleles in individuals of Latino descent in gnomAD. At this time, the clinical significance of this variant is uncertain due to the absence of conclusive functional and genetic evidence.

Labcorp Genetics (formerly Invitae), Labcorp
Classification: Uncertain significance for Progressive sclerosing poliodystrophy. Last evaluated: 2025-07-02. Review status: criteria provided, single submitter. Criteria: Invitae Variant Classification Sherloc (09022015). Collection method: clinical testing. Allele origin: germline.
Comment: This sequence change replaces isoleucine, which is neutral and non-polar, with leucine, which is neutral and non-polar, at codon 515 of the POLG protein (p.Ile515Leu). This variant is present in population databases (no rsID available, gnomAD 0.003%). This variant has not been reported in the literature in individuals affected with POLG-related conditions. ClinVar contains an entry for this variant (Variation ID: 970333). Invitae Evidence Modeling of protein sequence and biophysical properties (such as structural, functional, and spatial information, amino acid conservation, physicochemical variation, residue mobility, and thermodynamic stability) indicates that this missense variant is not expected to disrupt POLG protein function with a negative predictive value of 95%. In summary, the available evidence is currently insufficient to determine the role of this variant in disease. Therefore, it has been classified as a Variant of Uncertain Significance.